The following is an entry in ClinVar:

NM_032043.3(BRIP1):c.1943T>A (p.Val648Asp)

Gene: BRIP1 (BRCA1 interacting DNA helicase 1; minus strand). Cytogenetic location: 17q23.2.
Variant type: single nucleotide variant.
Coding change: c.1943T>A on transcript NM_032043.3 (MANE Select); coding-DNA position 1943, T replaced by A.
Protein change: p.Val648Asp; replaces valine 648 with aspartic acid.
Molecular consequence: missense variant.
Genome position (GRCh38, 1-based): chr17:61,776,555, A>T on the plus strand (T>A on the coding strand, the complement: BRIP1 is on the minus strand). VCF-style: chr17-61776555-A-T. GRCh37 (hg19) VCF-style: chr17-59853916-A-T.
Other names: short protein forms V648D.
Identifiers: ClinVar variation 3482480 (VCV003482480.3).

ClinVar aggregate classification (germline): Uncertain significance. Review status: criteria provided, multiple submitters, no conflicts (2 of 4 stars). 2 submissions from 2 submitters: Uncertain significance (2). Last evaluated 2024-11-22.

Conditions:
Fanconi anemia complementation group J. Also called: BRIP1-Related Fanconi Anemia. Identifiers: Orphanet 84, MedGen C1836860, MONDO:0012187, OMIM 609054.
Familial cancer of breast. Also called: Hereditary breast cancer; hereditary breast carcinoma; BREAST CANCER, FAMILIAL. Identifiers: Orphanet 227535, MedGen C0346153, MONDO:0016419, OMIM 114480. Disease mechanism: loss of function.
Hereditary cancer-predisposing syndrome. Also called: Hereditary Cancer Syndrome; Hereditary neoplastic syndrome; Neoplastic Syndromes, Hereditary; Tumor predisposition. Identifiers: Orphanet 140162, MedGen C0027672, MeSH D009386, MONDO:0015356.

Submissions (2):

Ambry Genetics
Classification: Uncertain significance for Hereditary cancer-predisposing syndrome. Last evaluated: 2024-11-22. Review status: criteria provided, single submitter. Criteria: Ambry Variant Classification Scheme 2023. Collection method: clinical testing. Allele origin: germline.
Comment: The p.V648D variant (also known as c.1943T>A), located in coding exon 13 of the BRIP1 gene, results from a T to A substitution at nucleotide position 1943. The valine at codon 648 is replaced by aspartic acid, an amino acid with highly dissimilar properties. This amino acid position is conserved. In addition, this alteration is predicted to be deleterious by in silico analysis. Based on the available evidence, the clinical significance of this variant remains unclear.

Labcorp Genetics (formerly Invitae), Labcorp
Classification: Uncertain significance for Familial cancer of breast; Fanconi anemia complementation group J. Last evaluated: 2024-08-12. Review status: criteria provided, single submitter. Criteria: Invitae Variant Classification Sherloc (09022015). Collection method: clinical testing. Allele origin: germline.
Comment: This sequence change replaces valine, which is neutral and non-polar, with aspartic acid, which is acidic and polar, at codon 648 of the BRIP1 protein (p.Val648Asp). This variant is not present in population databases (gnomAD no frequency). This variant has not been reported in the literature in individuals affected with BRIP1-related conditions. Advanced modeling of protein sequence and biophysical properties (such as structural, functional, and spatial information, amino acid conservation, physicochemical variation, residue mobility, and thermodynamic stability) performed at Invitae indicates that this missense variant is expected to disrupt BRIP1 protein function with a positive predictive value of 80%. In summary, the available evidence is currently insufficient to determine the role of this variant in disease. Therefore, it has been classified as a Variant of Uncertain Significance.